The following is an entry in ClinVar:

ClinVar aggregate classification (germline): Uncertain significance. Review status: criteria provided, multiple submitters, no conflicts (2 of 4 stars). 4 submissions from 4 submitters: Uncertain significance (4). Last evaluated 2025-09-14.

Conditions:
Myopathy, proximal, and ophthalmoplegia (CMYO6). Also called: MYOPATHY WITH CONGENITAL JOINT CONTRACTURES, OPHTHALMOPLEGIA, AND RIMMED VACUOLES; INCLUSION BODY MYOPATHY 3, AUTOSOMAL DOMINANT; CONGENITAL MYOPATHY 6 WITH OPHTHALMOPLEGIA. Identifiers: Orphanet 363677, Orphanet 79091, MedGen C1854106, MONDO:0011577, OMIM 605637.

Allele frequency attached by ClinVar (database versions not stated): gnomAD 0.00001 and 0.00002; ExAC 0.00003; TOPMed 0.00004; gnomAD exomes 0.00005 and 0.00006; ESP Exome Variant Server 0.00008.
gnomAD v4.1: 68 of 1,613,966 alleles (0.0042%); highest among the groups gnomAD compares: Admixed American, 0.013%; no homozygotes.

Submissions (4):

Labcorp Genetics (formerly Invitae), Labcorp
Classification: Uncertain significance for Myopathy, proximal, and ophthalmoplegia. Last evaluated: 2025-09-14. Review status: criteria provided, single submitter. Criteria: Invitae Variant Classification Sherloc (09022015). Collection method: clinical testing. Allele origin: germline.
Comment: This sequence change replaces glutamic acid, which is acidic and polar, with lysine, which is basic and polar, at codon 1421 of the MYH2 protein (p.Glu1421Lys). This variant is present in population databases (rs368304404, gnomAD 0.02%). This variant has not been reported in the literature in individuals affected with MYH2-related conditions. ClinVar contains an entry for this variant (Variation ID: 581871). Invitae Evidence Modeling of protein sequence and biophysical properties (such as structural, functional, and spatial information, amino acid conservation, physicochemical variation, residue mobility, and thermodynamic stability) indicates that this missense variant is expected to disrupt MYH2 protein function with a positive predictive value of 80%. In summary, the available evidence is currently insufficient to determine the role of this variant in disease. Therefore, it has been classified as a Variant of Uncertain Significance.

GeneDx
Classification: Uncertain significance. Last evaluated: 2023-07-24. Review status: criteria provided, single submitter. Criteria: GeneDx Variant Classification Process June 2021. Collection method: clinical testing. Allele origin: germline. Affected: yes.
Comment: In silico analysis supports that this missense variant has a deleterious effect on protein structure/function; Has not been previously published as pathogenic or benign to our knowledge

CeGaT Center for Human Genetics Tuebingen
Classification: Uncertain significance. Last evaluated: 2021-06-01. Review status: criteria provided, single submitter. Criteria: CeGaT Center For Human Genetics Tuebingen Variant Classification Criteria Version 2. Collection method: clinical testing. Allele origin: germline. Affected: yes. Observed: 1 variant allele.

Revvity Omics, Revvity
Classification: Uncertain significance for Myopathy, proximal, and ophthalmoplegia. Last evaluated: 2020-03-05. Review status: criteria provided, single submitter. Criteria: ACMG Guidelines, 2015. Collection method: clinical testing. Allele origin: germline.

NM_017534.6(MYH2):c.4261G>A (p.Glu1421Lys)

Genes: MYH2 (myosin heavy chain 2; minus strand), MYHAS (myosin heavy chain gene cluster antisense RNA; plus strand). Cytogenetic location: 17p13.1.
Variant type: single nucleotide variant.
Coding change: c.4261G>A on transcript NM_017534.6 (MANE Select); coding-DNA position 4261, G replaced by A.
Protein change: p.Glu1421Lys; replaces glutamic acid 1421 with lysine.
Molecular consequence: missense variant.
Genome position (GRCh38, 1-based): chr17:10,525,803, C>T on the plus strand (G>A on the coding strand, the complement: MYH2 is on the minus strand). VCF-style: chr17-10525803-C-T. GRCh37 (hg19) VCF-style: chr17-10429120-C-T.
Other names: c.4261G>A, p.Glu1421Lys (NM_001100112.2); short protein forms E1421K.
Identifiers: ClinVar variation 581871 (VCV000581871.47), dbSNP rs368304404, ClinGen allele CA8390679.